The following is an entry in ClinVar:

NM_003482.4(KMT2D):c.1896C>G (p.Asp632Glu)

Gene: KMT2D (lysine methyltransferase 2D; minus strand). Cytogenetic location: 12q13.12.
Variant type: single nucleotide variant.
Coding change: c.1896C>G on transcript NM_003482.4 (MANE Select); coding-DNA position 1896, C replaced by G.
Protein change: p.Asp632Glu; replaces aspartic acid 632 with glutamic acid.
Molecular consequence: missense variant.
Genome position (GRCh38, 1-based): chr12:49,051,787, G>C on the plus strand (C>G on the coding strand, the complement: KMT2D is on the minus strand). VCF-style: chr12-49051787-G-C. GRCh37 (hg19) VCF-style: chr12-49445570-G-C.
Other names: short protein forms D632E.
Identifiers: ClinVar variation 3620158 (VCV003620158.2).
Genomic context (GRCh38, chr12:49,051,787, plus strand): 5'-GCGCGATACCTCAGGTGGGGGGGACATAGGTGATTCTTCAGGTGGTGGGGACATAGGCGA[G>C]TCCTCAGGTGGTGGGGACAGGCGTGATGCCTCAGGTGGTGGGGAAAGGGGAGACTCCTCA-3'
Protein context (NP_003473.3, residues 622-642): EASRLSPPPE[Asp632Glu]SPMSPPPEES

ClinVar aggregate classification (germline): Uncertain significance (1 of 4 stars; one submission).

Conditions:
Kabuki syndrome. Also called: Kabuki make-up syndrome; NIIKAWA-KUROKI SYNDROME. Identifiers: Orphanet 2322, MedGen C0796004, MONDO:0016512.

Submission:

Labcorp Genetics (formerly Invitae), Labcorp
Classification: Uncertain significance for Kabuki syndrome. Last evaluated: 2024-10-29. Review status: criteria provided, single submitter. Criteria: Invitae Variant Classification Sherloc (09022015). Collection method: clinical testing. Allele origin: germline.
Comment: This sequence change replaces aspartic acid, which is acidic and polar, with glutamic acid, which is acidic and polar, at codon 632 of the KMT2D protein (p.Asp632Glu). This variant is not present in population databases (gnomAD no frequency). This variant has not been reported in the literature in individuals affected with KMT2D-related conditions. Invitae Evidence Modeling of protein sequence and biophysical properties (such as structural, functional, and spatial information, amino acid conservation, physicochemical variation, residue mobility, and thermodynamic stability) indicates that this missense variant is not expected to disrupt KMT2D protein function with a negative predictive value of 95%. In summary, the available evidence is currently insufficient to determine the role of this variant in disease. Therefore, it has been classified as a Variant of Uncertain Significance.